The following is an entry in ClinVar:

NM_001388492.1(HTT):c.5441C>G (p.Thr1814Ser)

Gene: HTT (huntingtin; plus strand). Cytogenetic location: 4p16.3.
Variant type: single nucleotide variant.
Coding change: c.5441C>G on transcript NM_001388492.1 (MANE Select); coding-DNA position 5441, C replaced by G.
Protein change: p.Thr1814Ser; replaces threonine 1814 with serine.
Molecular consequence: missense variant.
Genome position (GRCh38, 1-based): chr4:3,199,804, C>G. VCF-style: chr4-3199804-C-G. GRCh37 (hg19) VCF-style: chr4-3201531-C-G.
Other names: c.5447C>G, p.Thr1816Ser (NM_002111.8); short protein forms T1814S, T1816S.
Identifiers: ClinVar variation 1467098 (VCV001467098.6), dbSNP rs2110262111, ClinGen allele CA356077102.

ClinVar aggregate classification (germline): Uncertain significance (1 of 4 stars; one submission).

Submission:

Labcorp Genetics (formerly Invitae), Labcorp
Classification: Uncertain significance. Last evaluated: 2024-10-16. Review status: criteria provided, single submitter. Criteria: Invitae Variant Classification Sherloc (09022015). Collection method: clinical testing. Allele origin: germline.
Comment: This sequence change replaces threonine, which is neutral and polar, with serine, which is neutral and polar, at codon 1816 of the HTT protein (p.Thr1816Ser). This variant is not present in population databases (gnomAD no frequency). This variant has not been reported in the literature in individuals affected with HTT-related conditions. ClinVar contains an entry for this variant (Variation ID: 1467098). Experimental studies and prediction algorithms are not available or were not evaluated, and the functional significance of this variant is currently unknown. In summary, the available evidence is currently insufficient to determine the role of this variant in disease. Therefore, it has been classified as a Variant of Uncertain Significance.